The following is an entry in ClinVar:

ClinVar aggregate classification (germline): Uncertain significance (1 of 4 stars; one submission).

Submission:

GeneDx
Classification: Uncertain significance. Last evaluated: 2022-03-18. Review status: criteria provided, single submitter. Criteria: GeneDx Variant Classification Process June 2021. Collection method: clinical testing. Allele origin: germline. Affected: yes.
Comment: Not observed at significant frequency in large population cohorts (gnomAD); Frameshift variant predicted to result in protein truncation as the last 37 amino acids are replaced with 19 different amino acids, although loss-of-function variants have not been reported downstream of this position in the protein; Has not been previously published as pathogenic or benign to our knowledge

NM_001164760.2(PRKAR1B):c.1033dup (p.Leu345fs)

Gene: PRKAR1B (protein kinase cAMP-dependent type I regulatory subunit beta; minus strand). Cytogenetic location: 7p22.3.
Variant type: Duplication.
Coding change: c.1033dup on transcript NM_001164760.2 (MANE Select); coding-DNA position 1033, one base duplicated (C; older notation c.1033dupC).
Protein change: p.Leu345fs; shifts the reading frame from leucine 345.
Molecular consequence: frameshift variant.
Genome position (GRCh38, 1-based): chr7:550,543, G duplicated on the plus strand (C on the coding strand, the reverse complement: PRKAR1B is on the minus strand); the first of 4 consecutive G bases (chr7:550,543-550,546); duplicating any one gives the same sequence. VCF-style (leftmost placement, unchanged base first): chr7-550542-A-AG. GRCh37 (hg19) VCF-style: chr7-590179-A-AG.
Other names: c.1033dup, p.Leu345fs (NM_001164758.2, NM_001164759.1, NM_001164761.2 and 2 more transcripts); short protein forms L345fs.
Identifiers: ClinVar variation 1710688 (VCV001710688.2), dbSNP rs2483476269, ClinGen allele CA2580076683.
Genomic context (GRCh38, chr7:550,542, plus strand): 5'-ATCTCAGAGCAGGGCCCCAGCACACGCTCGAAGCGGGGCCGGTCCAGCTTCACACACTTG[A>AG]GGGGCCCCCGGGCCACGACAGTGGCCGCCCGGGGCCGGTTCAGCAGCAGTGCAATCTCCC-3'